The following is an entry in ClinVar:

NM_021098.3(CACNA1H):c.6387G>C (p.Glu2129Asp)

Gene: CACNA1H (calcium voltage-gated channel subunit alpha1 H; plus strand). Cytogenetic location: 16p13.3.
Variant type: single nucleotide variant.
Coding change: c.6387G>C on transcript NM_021098.3 (MANE Select); coding-DNA position 6387, G replaced by C.
Protein change: p.Glu2129Asp; replaces glutamic acid 2129 with aspartic acid.
Molecular consequence: missense variant.
Genome position (GRCh38, 1-based): chr16:1,220,319, G>C. VCF-style: chr16-1220319-G-C. GRCh37 (hg19) VCF-style: chr16-1270319-G-C.
Other names: c.6369G>C, p.Glu2123Asp (NM_001005407.2); c.6387G>C (NM_021098.2); short protein forms E2123D, E2129D.
Identifiers: ClinVar variation 1047008 (VCV001047008.10), dbSNP rs1970381464, ClinGen allele CA394149632.

ClinVar aggregate classification (germline): Uncertain significance. Review status: criteria provided, multiple submitters, no conflicts (2 of 4 stars). 2 submissions from 2 submitters: Uncertain significance (2). Last evaluated 2023-05-31.

Conditions:
Inborn genetic diseases. Identifiers: MedGen C0950123, MeSH D030342.
Idiopathic generalized epilepsy. Also called: EIG; Generalised epilepsy. Identifiers: MedGen C0270850, MONDO:0005579, OMIM 600669.
Hyperaldosteronism, familial, type IV (HALD4). Also called: FH IV; ALDOSTERONISM, PRIMARY, AND HYPERTENSION. Identifiers: Orphanet 642671, MedGen C4310756, MONDO:0014875, OMIM 617027.

Allele frequency attached by ClinVar (database versions not stated): gnomAD exomes below 0.00001.

Submissions (2):

Ambry Genetics
Classification: Uncertain significance for Inborn genetic diseases. Last evaluated: 2023-05-31. Review status: criteria provided, single submitter. Criteria: Ambry Variant Classification Scheme 2023. Collection method: clinical testing. Allele origin: germline.

Labcorp Genetics (formerly Invitae), Labcorp
Classification: Uncertain significance for Idiopathic generalized epilepsy; Hyperaldosteronism, familial, type IV. Last evaluated: 2022-10-16. Review status: criteria provided, single submitter. Criteria: Invitae Variant Classification Sherloc (09022015). Collection method: clinical testing. Allele origin: germline.
Comment: In summary, the available evidence is currently insufficient to determine the role of this variant in disease. Therefore, it has been classified as a Variant of Uncertain Significance. Advanced modeling of protein sequence and biophysical properties (such as structural, functional, and spatial information, amino acid conservation, physicochemical variation, residue mobility, and thermodynamic stability) performed at Invitae indicates that this missense variant is not expected to disrupt CACNA1H protein function. ClinVar contains an entry for this variant (Variation ID: 1047008). This variant has not been reported in the literature in individuals affected with CACNA1H-related conditions. This variant is not present in population databases (gnomAD no frequency). This sequence change replaces glutamic acid, which is acidic and polar, with aspartic acid, which is acidic and polar, at codon 2129 of the CACNA1H protein (p.Glu2129Asp).